The following is an entry in ClinVar:

NM_002500.5(NEUROD1):c.1035C>A (p.Val345=)

Gene: NEUROD1 (neuronal differentiation 1; minus strand). Cytogenetic location: 2q31.3.
Variant type: single nucleotide variant.
Coding change: c.1035C>A on transcript NM_002500.5 (MANE Select); coding-DNA position 1035, C replaced by A.
Protein change: p.Val345=; no amino-acid change (valine 345 retained).
Molecular consequence: synonymous variant.
Genome position (GRCh38, 1-based): chr2:181,677,826, G>T on the plus strand (C>A on the coding strand, the complement: NEUROD1 is on the minus strand). VCF-style: chr2-181677826-G-T. GRCh37 (hg19) VCF-style: chr2-182542553-G-T.
Other names: c.1035C>A (NM_002500.4).
Identifiers: ClinVar variation 1592262 (VCV001592262.10), dbSNP rs140129079, ClinGen allele CA2011013.

ClinVar aggregate classification (germline): Likely benign. Review status: criteria provided, single submitter (1 of 4 stars). 2 submissions from 2 submitters: Likely benign (1). 1 of the submissions does not count toward it. Last evaluated 2025-09-24.

Conditions:
NEUROD1-related disorder. Also called: NEUROD1-related condition.

Allele frequency attached by ClinVar (database versions not stated): TOPMed 0.00002; ESP Exome Variant Server 0.00008; gnomAD 0.00001 and 0.00002.
gnomAD v4.1: 57 of 1,614,006 alleles (0.0035%); highest among the groups gnomAD compares: Non-Finnish European, 0.0046%; no homozygotes.

Submissions (2):

Labcorp Genetics (formerly Invitae), Labcorp
Classification: Likely benign. Last evaluated: 2025-09-24. Review status: criteria provided, single submitter. Criteria: Invitae Variant Classification Sherloc (09022015). Collection method: clinical testing. Allele origin: germline.

PreventionGenetics, part of Exact Sciences
Classification: Likely benign for NEUROD1-related condition. Last evaluated: 2021-03-25. Review status: no assertion criteria provided. Collection method: clinical testing. Allele origin: germline. Not counted in ClinVar's aggregate classification.
Comment: This variant is classified as likely benign based on ACMG/AMP sequence variant interpretation guidelines (Richards et al. 2015 PMID: 25741868, with internal and published modifications).